The following is an entry in ClinVar:

ClinVar aggregate classification (germline): Uncertain significance. Review status: criteria provided, multiple submitters, no conflicts (2 of 4 stars). 3 submissions from 3 submitters: Uncertain significance (3). Last evaluated 2025-08-15.

Conditions:
Hereditary cancer-predisposing syndrome. Also called: Tumor predisposition; Neoplastic Syndromes, Hereditary; Hereditary Cancer Syndrome; Hereditary neoplastic syndrome. Identifiers: Orphanet 140162, MedGen C0027672, MeSH D009386, MONDO:0015356.
Neurofibromatosis, type 2 (SWNV). Also called: BILATERAL ACOUSTIC NEUROFIBROMATOSIS; SCHWANNOMATOSIS, VESTIBULAR; NF2-Related Schwannomatosis. Identifiers: Orphanet 637, MedGen C0027832, MONDO:0007039, OMIM 101000. Disease mechanism: loss of function.

Allele frequency attached by ClinVar (database versions not stated): gnomAD exomes below 0.00001.
gnomAD v4.1: 1 of 1,614,132 alleles (0.000062%); highest among the groups gnomAD compares: Non-Finnish European, 0.000085%; no homozygotes.

Submissions (3):

Labcorp Genetics (formerly Invitae), Labcorp
Classification: Uncertain significance for Neurofibromatosis, type 2. Last evaluated: 2025-08-15. Review status: criteria provided, single submitter. Criteria: Invitae Variant Classification Sherloc (09022015). Collection method: clinical testing. Allele origin: germline.
Comment: This sequence change replaces aspartic acid, which is acidic and polar, with alanine, which is neutral and non-polar, at codon 354 of the NF2 protein (p.Asp354Ala). This variant is not present in population databases (gnomAD no frequency). This variant has not been reported in the literature in individuals affected with NF2-related conditions. ClinVar contains an entry for this variant (Variation ID: 1468553). Invitae Evidence Modeling of protein sequence and biophysical properties (such as structural, functional, and spatial information, amino acid conservation, physicochemical variation, residue mobility, and thermodynamic stability) indicates that this missense variant is not expected to disrupt NF2 protein function with a negative predictive value of 80%. In summary, the available evidence is currently insufficient to determine the role of this variant in disease. Therefore, it has been classified as a Variant of Uncertain Significance.

Ambry Genetics
Classification: Uncertain significance for Hereditary cancer-predisposing syndrome. Last evaluated: 2025-08-14. Review status: criteria provided, single submitter. Criteria: Ambry Variant Classification Scheme 2023. Collection method: clinical testing. Allele origin: germline.

All of Us Research Program, National Institutes of Health
Classification: Uncertain significance for Neurofibromatosis, type 2. Last evaluated: 2023-08-15. Review status: criteria provided, single submitter. Criteria: ACMG Guidelines, 2015. Collection method: clinical testing. Allele origin: germline. Inheritance: Autosomal dominant inheritance. Observed: 1 variant allele, 1 heterozygote.
Comment: This study involves interpretation of variants in research participants for the purpose of population health screening. Participant phenotype was not available at the time of variant classification. Additional details can be found in publication PMID: 35346344, PMCID: PMC8962531

NM_000268.4(NF2):c.1061A>C (p.Asp354Ala)

Gene: NF2 (NF2, moesin-ezrin-radixin like (MERLIN) tumor suppressor; plus strand). Cytogenetic location: 22q12.2.
Variant type: single nucleotide variant.
Coding change: c.1061A>C on transcript NM_000268.4 (MANE Select); coding-DNA position 1061, A replaced by C.
Protein change: p.Asp354Ala; replaces aspartic acid 354 with alanine.
Molecular consequence: missense variant. On other transcripts: non-coding transcript variant (1), intron variant (1).
Genome position (GRCh38, 1-based): chr22:29,671,887, A>C. VCF-style: chr22-29671887-A-C. GRCh37 (hg19) VCF-style: chr22-30067876-A-C.
Other names: c.1061A>C, p.Asp354Ala (NM_016418.5, NM_181825.3, NM_181832.3); c.935A>C, p.Asp312Ala (NM_181828.3); c.938A>C, p.Asp313Ala (NM_181829.3); c.812A>C, p.Asp271Ala (NM_181830.3, NM_181831.3); c.448-22865A>C (NM_181833.3); c.1061A>C (NM_000268.3); short protein forms D312A, D313A, D271A, D354A.
Identifiers: ClinVar variation 1468553 (VCV001468553.12), dbSNP rs1601644179, ClinGen allele CA411146950.